The following is an entry in ClinVar:

ClinVar aggregate classification (germline): Benign. Review status: criteria provided, multiple submitters, no conflicts (2 of 4 stars). 10 submissions from 10 submitters: Benign (9). 1 of the submissions does not count toward it. Last evaluated 2026-02-04.

Conditions:
Retinitis pigmentosa (RP). Identifiers: Orphanet 791, MedGen C0035334, MeSH D012174, MONDO:0019200, OMIM 268000. Inheritance: Autosomal dominant, autosomal recessive and X linked inheritance.
Retinitis pigmentosa 26 (RP26). Identifiers: Orphanet 791, MedGen C1842127, MONDO:0012024, OMIM 608380.

Allele frequency attached by ClinVar (database versions not stated): gnomAD exomes 0.09599 and 0.13825; ExAC 0.16020; ESP Exome Variant Server 0.22663; gnomAD 0.22971; TOPMed 0.25352; 1000 Genomes Project 0.27117; 1000 Genomes Project 30x 0.28232.
gnomAD v4.1: 173,269 of 1,577,114 alleles (11%); highest among the groups gnomAD compares: African/African-American, 58%; 19,076 homozygotes.

Submissions (35):

Labcorp Genetics (formerly Invitae), Labcorp
Classification: Benign. Last evaluated: 2026-02-04. Review status: criteria provided, single submitter. Criteria: Invitae Variant Classification Sherloc (09022015). Collection method: clinical testing. Allele origin: germline.

Blueprint Genetics
Classification: Benign. Last evaluated: 2024-11-26. Review status: criteria provided, single submitter. Criteria: ACMG Guidelines, 2015. Collection method: clinical testing. Allele origin: germline.

Genome-Nilou Lab
Classification: Benign for Retinitis pigmentosa 26. Last evaluated: 2021-07-10. Review status: criteria provided, single submitter. Criteria: ACMG Guidelines, 2015. Collection method: clinical testing. Allele origin: germline. Affected: no.

Illumina Laboratory Services, Illumina
Classification: Benign for Retinitis pigmentosa. Last evaluated: 2018-01-13. Review status: criteria provided, single submitter. Criteria: ICSL Variant Classification Criteria 13 December 2019. Collection method: clinical testing. Allele origin: germline.
Comment: This variant was observed in the ICSL laboratory as part of a predisposition screen in an ostensibly healthy population. It had not been previously curated by ICSL or reported in the Human Gene Mutation Database (HGMD: prior to June 1st, 2018), and was therefore a candidate for classification through an automated scoring system. Utilizing variant allele frequency, disease prevalence and penetrance estimates, and inheritance mode, an automated score was calculated to assess if this variant is too frequent to cause the disease. Based on the score and internal cut-off values, a variant classified as benign is not then subjected to further curation. The score for this variant resulted in a classification of benign for this disease.

Clinical Genetics DNA and cytogenetics Diagnostics Lab, Erasmus MC, Erasmus Medical Center
Classification: Benign for Retinitis pigmentosa 26. Last evaluated: 2017-05-31. Review status: criteria provided, single submitter. Criteria: ACGS Guidelines, 2013. Collection method: clinical testing. Allele origin: germline. Affected: yes. Study: VKGL Data-share Consensus.

GeneDx
Classification: Benign. Last evaluated: 2017-02-01. Review status: criteria provided, single submitter. Criteria: GeneDx Variant Classification (06012015). Collection method: clinical testing. Allele origin: germline. Affected: yes.
Comment: This variant is considered likely benign or benign based on one or more of the following criteria: it is a conservative change, it occurs at a poorly conserved position in the protein, it is predicted to be benign by multiple in silico algorithms, and/or has population frequency not consistent with disease.

Eurofins Ntd Llc (ga)
Classification: Benign. Last evaluated: 2014-04-29. Review status: criteria provided, single submitter. Criteria: EGL Classification Definitions 2015. Collection method: clinical testing. Allele origin: germline. Observed: 1 variant allele, 1 heterozygote.

Breakthrough Genomics
Classification: Benign. Review status: criteria provided, single submitter. Criteria: ACMG Guidelines, 2015. Collection method: not provided. Allele origin: germline. Inheritance: Autosomal recessive inheritance. Affected: yes.

PreventionGenetics, part of Exact Sciences
Classification: Benign. Review status: criteria provided, single submitter. Criteria: ACMG Guidelines, 2015. Collection method: clinical testing. Allele origin: germline.

Diagnostic Laboratory, Department of Genetics, University Medical Center Groningen
Classification: Benign for Retinitis pigmentosa 26. Review status: no assertion criteria provided. Collection method: clinical testing. Allele origin: germline. Affected: yes. Study: VKGL Data-share Consensus. Not counted in ClinVar's aggregate classification.

Dr. Peter K. Rogan Lab, Western University
No classification provided (evidence only). Condition: Acute myeloid leukemia. Review status: no classification provided. Collection method: in vitro. Allele origin: not applicable. Functional consequence: retained intron. Not counted in ClinVar's aggregate classification.

Dr. Peter K. Rogan Lab, Western University
No classification provided (evidence only). Condition: Acute myeloid leukemia. Review status: no classification provided. Collection method: in vitro. Allele origin: not applicable. Functional consequence: retained intron. Not counted in ClinVar's aggregate classification.

Dr. Peter K. Rogan Lab, Western University
No classification provided (evidence only). Condition: Acute myeloid leukemia. Review status: no classification provided. Collection method: in vitro. Allele origin: not applicable. Functional consequence: retained intron. Not counted in ClinVar's aggregate classification.

Dr. Peter K. Rogan Lab, Western University
No classification provided (evidence only). Condition: Malignant lymphoma, large B-cell, diffuse. Review status: no classification provided. Collection method: in vitro. Allele origin: not applicable. Functional consequence: retained intron. Not counted in ClinVar's aggregate classification.

Dr. Peter K. Rogan Lab, Western University
No classification provided (evidence only). Condition: Cholangiocarcinoma. Review status: no classification provided. Collection method: in vitro. Allele origin: not applicable. Functional consequence: retained intron. Not counted in ClinVar's aggregate classification.

Dr. Peter K. Rogan Lab, Western University
No classification provided (evidence only). Condition: Cholangiocarcinoma. Review status: no classification provided. Collection method: in vitro. Allele origin: not applicable. Functional consequence: retained intron. Not counted in ClinVar's aggregate classification.

Dr. Peter K. Rogan Lab, Western University
No classification provided (evidence only). Condition: Uterine carcinosarcoma. Review status: no classification provided. Collection method: in vitro. Allele origin: not applicable. Functional consequence: retained intron. Not counted in ClinVar's aggregate classification.

Dr. Peter K. Rogan Lab, Western University
No classification provided (evidence only). Condition: Uterine carcinosarcoma. Review status: no classification provided. Collection method: in vitro. Allele origin: not applicable. Functional consequence: retained intron. Not counted in ClinVar's aggregate classification.

Dr. Peter K. Rogan Lab, Western University
No classification provided (evidence only). Condition: Nonpapillary renal cell carcinoma. Review status: no classification provided. Collection method: in vitro. Allele origin: not applicable. Functional consequence: retained intron. Not counted in ClinVar's aggregate classification.

Dr. Peter K. Rogan Lab, Western University
No classification provided (evidence only). Condition: Familial pancreatic carcinoma. Review status: no classification provided. Collection method: in vitro. Allele origin: not applicable. Functional consequence: retained intron. Not counted in ClinVar's aggregate classification.

Dr. Peter K. Rogan Lab, Western University
No classification provided (evidence only). Condition: Familial pancreatic carcinoma. Review status: no classification provided. Collection method: in vitro. Allele origin: not applicable. Functional consequence: retained intron. Not counted in ClinVar's aggregate classification.

Dr. Peter K. Rogan Lab, Western University
No classification provided (evidence only). Condition: Familial pancreatic carcinoma. Review status: no classification provided. Collection method: in vitro. Allele origin: not applicable. Functional consequence: retained intron. Not counted in ClinVar's aggregate classification.

Dr. Peter K. Rogan Lab, Western University
No classification provided (evidence only). Condition: Familial pancreatic carcinoma. Review status: no classification provided. Collection method: in vitro. Allele origin: not applicable. Functional consequence: retained intron. Not counted in ClinVar's aggregate classification.

Dr. Peter K. Rogan Lab, Western University
No classification provided (evidence only). Condition: Familial pancreatic carcinoma. Review status: no classification provided. Collection method: in vitro. Allele origin: not applicable. Functional consequence: retained intron. Not counted in ClinVar's aggregate classification.

Dr. Peter K. Rogan Lab, Western University
No classification provided (evidence only). Condition: Familial pancreatic carcinoma. Review status: no classification provided. Collection method: in vitro. Allele origin: not applicable. Functional consequence: skipped exon. Not counted in ClinVar's aggregate classification.

Dr. Peter K. Rogan Lab, Western University
No classification provided (evidence only). Condition: Familial pancreatic carcinoma. Review status: no classification provided. Collection method: in vitro. Allele origin: not applicable. Functional consequence: retained intron. Not counted in ClinVar's aggregate classification.

Dr. Peter K. Rogan Lab, Western University
No classification provided (evidence only). Condition: Hepatocellular carcinoma. Review status: no classification provided. Collection method: in vitro. Allele origin: not applicable. Functional consequence: retained intron. Not counted in ClinVar's aggregate classification.

Dr. Peter K. Rogan Lab, Western University
No classification provided (evidence only). Condition: Hepatocellular carcinoma. Review status: no classification provided. Collection method: in vitro. Allele origin: not applicable. Functional consequence: retained intron. Not counted in ClinVar's aggregate classification.

Dr. Peter K. Rogan Lab, Western University
No classification provided (evidence only). Condition: Hepatocellular carcinoma. Review status: no classification provided. Collection method: in vitro. Allele origin: not applicable. Functional consequence: retained intron. Not counted in ClinVar's aggregate classification.

Dr. Peter K. Rogan Lab, Western University
No classification provided (evidence only). Condition: Lymphoma. Review status: no classification provided. Collection method: in vitro. Allele origin: not applicable. Functional consequence: retained intron. Not counted in ClinVar's aggregate classification.

Dr. Peter K. Rogan Lab, Western University
No classification provided (evidence only). Condition: Lymphoma. Review status: no classification provided. Collection method: in vitro. Allele origin: not applicable. Functional consequence: retained intron. Not counted in ClinVar's aggregate classification.

Dr. Peter K. Rogan Lab, Western University
No classification provided (evidence only). Condition: Ovarian cancer. Review status: no classification provided. Collection method: in vitro. Allele origin: not applicable. Functional consequence: retained intron. Not counted in ClinVar's aggregate classification.

Dr. Peter K. Rogan Lab, Western University
No classification provided (evidence only). Condition: Ovarian cancer. Review status: no classification provided. Collection method: in vitro. Allele origin: not applicable. Functional consequence: retained intron. Not counted in ClinVar's aggregate classification.

Dr. Peter K. Rogan Lab, Western University
No classification provided (evidence only). Condition: Ovarian cancer. Review status: no classification provided. Collection method: in vitro. Allele origin: not applicable. Functional consequence: retained intron. Not counted in ClinVar's aggregate classification.

Dr. Peter K. Rogan Lab, Western University
No classification provided (evidence only). Condition: Ovarian cancer. Review status: no classification provided. Collection method: in vitro. Allele origin: not applicable. Functional consequence: retained intron. Not counted in ClinVar's aggregate classification.

NM_201548.5(CERKL):c.239-12T>A

Gene: CERKL (CERK like autophagy regulator; minus strand). Cytogenetic location: 2q31.3.
Variant type: single nucleotide variant.
Coding change: c.239-12T>A on transcript NM_201548.5 (MANE Select); 12 bases into the intron before coding-DNA position 239, T replaced by A.
Molecular consequence: intron variant.
Genome position (GRCh38, 1-based): chr2:181,604,091, A>T on the plus strand (T>A on the coding strand, the complement: CERKL is on the minus strand). VCF-style: chr2-181604091-A-T. GRCh37 (hg19) VCF-style: chr2-182468818-A-T.
Other names: c.239-12T>A (NM_001030312.3, NM_001160277.2, NM_001030313.3 and 1 more transcripts).
Identifiers: ClinVar variation 166848 (VCV000166848.24), dbSNP rs6433923, ClinGen allele CA179871.